The following is an entry in ClinVar:

ClinVar aggregate classification (germline): Uncertain significance. Review status: criteria provided, multiple submitters, no conflicts (2 of 4 stars). 5 submissions from 5 submitters: Uncertain significance (4). 1 of the submissions does not count toward it. Last evaluated 2025-05-14.

Conditions:
TMEM67-related disorder. Also called: TMEM67-related disorders; TMEM67-related condition. Identifiers: MedGen CN239423.
Inborn genetic diseases. Identifiers: MedGen C0950123, MeSH D030342.
Nephronophthisis 11 (NPHP11). Identifiers: Orphanet 84081, MedGen C3150796, MONDO:0013302, OMIM 613550.
COACH syndrome 1. Identifiers: Orphanet 1454, MedGen C5435651, MONDO:0800103, OMIM 216360, MONDO:0008996.
Joubert syndrome 6 (JBTS6). Identifiers: Orphanet 475, MedGen C1853153, MONDO:0012539, OMIM 610688.
Bardet-Biedl syndrome 14 (BBS14). Identifiers: Orphanet 110, MedGen C2673874, MONDO:0014442, OMIM 615991.
RHYNS syndrome. Also called: RETINITIS PIGMENTOSA SYNDROME; RETINITIS PIGMENTOSA, HYPOPITUITARISM, NEPHRONOPHTHISIS, AND MILD SKELETAL DYSPLASIA. Identifiers: Orphanet 140976, MedGen C1865794, MONDO:0011202, OMIM 602152.
Meckel syndrome, type 3 (MKS3). Also called: MECKEL-GRUBER SYNDROME, TYPE 3. Identifiers: Orphanet 564, MedGen C1846357, MONDO:0011821, OMIM 607361.
Joubert syndrome. Also called: Familial aplasia of the vermis; JOUBERT-BOLTSHAUSER SYNDROME. Identifiers: Orphanet 475, MedGen C5979921, MONDO:0018772.
Meckel-Gruber syndrome. Also called: Dysencephalia splachnocystica; DYSENCEPHALIA SPLANCHNOCYSTICA; GRUBER SYNDROME. Identifiers: Orphanet 564, MedGen C0265215, MONDO:0018921.

Allele frequency attached by ClinVar (database versions not stated): ExAC 0.00007; ESP Exome Variant Server 0.00008; gnomAD exomes 0.00008 and 0.00011; TOPMed 0.00008; 1000 Genomes Project 30x 0.00031; 1000 Genomes Project 0.00040.
gnomAD v4.1: 164 of 1,534,500 alleles (0.011%); highest among the groups gnomAD compares: Middle Eastern, 0.017%; no homozygotes.

Submissions (5):

Ambry Genetics
Classification: Uncertain significance for Inborn genetic diseases. Last evaluated: 2025-05-14. Review status: criteria provided, single submitter. Criteria: Ambry Variant Classification Scheme 2023. Collection method: clinical testing. Allele origin: germline.

Labcorp Genetics (formerly Invitae), Labcorp
Classification: Uncertain significance for Joubert syndrome; Meckel-Gruber syndrome. Last evaluated: 2022-08-22. Review status: criteria provided, single submitter. Criteria: Invitae Variant Classification Sherloc (09022015). Collection method: clinical testing. Allele origin: germline.
Comment: This sequence change replaces isoleucine, which is neutral and non-polar, with valine, which is neutral and non-polar, at codon 775 of the TMEM67 protein (p.Ile775Val). This variant is present in population databases (rs200145042, gnomAD 0.02%). This variant has not been reported in the literature in individuals affected with TMEM67-related conditions. ClinVar contains an entry for this variant (Variation ID: 1407135). Algorithms developed to predict the effect of missense changes on protein structure and function output the following: SIFT: "Tolerated"; PolyPhen-2: "Benign"; Align-GVGD: "Class C0". The valine amino acid residue is found in multiple mammalian species, which suggests that this missense change does not adversely affect protein function. Algorithms developed to predict the effect of sequence changes on RNA splicing suggest that this variant may create or strengthen a splice site. In summary, the available evidence is currently insufficient to determine the role of this variant in disease. Therefore, it has been classified as a Variant of Uncertain Significance.

Fulgent Genetics
Classification: Uncertain significance for COACH syndrome 1; RHYNS syndrome; Meckel syndrome, type 3; Joubert syndrome 6; Nephronophthisis 11; Bardet-Biedl syndrome 14. Last evaluated: 2022-03-15. Review status: criteria provided, single submitter. Criteria: ACMG Guidelines, 2015. Collection method: clinical testing. Allele origin: unknown.

GeneDx
Classification: Uncertain significance. Last evaluated: 2022-03-08. Review status: criteria provided, single submitter. Criteria: GeneDx Variant Classification Process June 2021. Collection method: clinical testing. Allele origin: germline. Affected: yes.
Comment: In silico analysis supports that this missense variant does not alter protein structure/function; Has not been previously published as pathogenic or benign to our knowledge

PreventionGenetics, part of Exact Sciences
Classification: Uncertain significance for TMEM67-related condition. Last evaluated: 2024-05-09. Review status: no assertion criteria provided. Collection method: clinical testing. Allele origin: germline. Not counted in ClinVar's aggregate classification.
Comment: The TMEM67 c.2323A>G variant is predicted to result in the amino acid substitution p.Ile775Val. To our knowledge, this variant has not been reported in the literature. This variant is reported in 0.017% of alleles in individuals of Latino descent in gnomAD. At this time, the clinical significance of this variant is uncertain due to the absence of conclusive functional and genetic evidence.

NM_153704.6(TMEM67):c.2323A>G (p.Ile775Val)

Gene: TMEM67 (transmembrane protein 67; plus strand). Cytogenetic location: 8q22.1.
Variant type: single nucleotide variant.
Coding change: c.2323A>G on transcript NM_153704.6 (MANE Select); coding-DNA position 2323, A replaced by G.
Protein change: p.Ile775Val; replaces isoleucine 775 with valine.
Molecular consequence: missense variant. On other transcripts: non-coding transcript variant (1).
Genome position (GRCh38, 1-based): chr8:93,804,762, A>G. VCF-style: chr8-93804762-A-G. GRCh37 (hg19) VCF-style: chr8-94816990-A-G.
Other names: c.2080A>G, p.Ile694Val (NM_001142301.1); short protein forms I694V, I775V.
Identifiers: ClinVar variation 1407135 (VCV001407135.9), dbSNP rs200145042, ClinGen allele CA4808278.